The following is an entry in ClinVar:

NM_017415.3(KLHL3):c.230C>A (p.Ala77Glu)

Gene: KLHL3 (kelch like family member 3; minus strand). Cytogenetic location: 5q31.2.
Variant type: single nucleotide variant.
Coding change: c.230C>A on transcript NM_017415.3 (MANE Select); coding-DNA position 230, C replaced by A.
Protein change: p.Ala77Glu; replaces alanine 77 with glutamic acid.
Molecular consequence: missense variant.
Genome position (GRCh38, 1-based): chr5:137,709,761, G>T on the plus strand (C>A on the coding strand, the complement: KLHL3 is on the minus strand). VCF-style: chr5-137709761-G-T. GRCh37 (hg19) VCF-style: chr5-137045450-G-T.
Other names: c.134C>A, p.Ala45Glu (NM_001257194.1); short protein forms A77E, A45E.
Identifiers: ClinVar variation 100532 (VCV000100532.3), dbSNP rs199469623, ClinGen allele CA269973.

ClinVar aggregate classification (germline): Pathogenic (0 of 4 stars; one submission).

Conditions:
Pseudohypoaldosteronism type 2A (PHA2A). Also called: GORDON HYPERKALEMIA-HYPERTENSION SYNDROME; HYPERTENSIVE HYPERKALEMIA, FAMILIAL. Identifiers: Orphanet 757, Orphanet 88938, MedGen C1840389, MONDO:0007772, OMIM 145260.

Submission:

Richard Lifton Laboratory, Yale University School of Medicine
Classification: Pathogenic for Pseudohypoaldosteronism, type 2. Review status: no assertion criteria provided. Collection method: not provided. Allele origin: germline.
Comment: dominant;BTB domain
ClinVar note: Converted during submission from pathogenic to Pathogenic.